The following continues an entry in ClinVar:

NM_000518.5(HBB):c.20del (p.Glu7fs)

ClinVar aggregate classification (germline): Pathogenic. Pathogenic (16).

Submissions 10 to 19 of 19:

Laboratory for Molecular Medicine, Mass General Brigham Personalized Medicine
Classification: Pathogenic for beta Thalassemia. Last evaluated: 2023-03-29. Review status: criteria provided, single submitter. Criteria: ACMG Guidelines, 2015. Collection method: clinical testing. Allele origin: germline. Inheritance: Autosomal recessive inheritance.
Comment: The p.Glu7GlyfsX13 variant in HBB has been reported in >20 compound heterozygous or homozygous individuals with beta-thalassemia (Chang 1983 PMID: 6316272, Kazazian 1983 PMID: 6310991, Gonzalez-Redondo 1988 PMID: 2458145, Bouhass 1990 PMID: 2393712, Petkov 1990 PMID: 2200762, Economou 1991 PMID: 1769663, Baysal 1992 PMID: 1390250, Rosatelli 1992 PMID: 1734721, Vetter 1997 PMID: 9163586, Danjou 2012 PMID: 22271886). This variant has also been reported by other clinical laboratories in ClinVar (Variation ID 15418) and has been identified in 0.0048% (2/41456) of African chromosomes by gnomAD (v.3.1.2). This variant is predicted to cause a frameshift, which alters the protein’s amino acid sequence beginning at position 7 and leads to a premature termination codon 13 amino acids downstream. This alteration is then predicted to lead to a truncated or absent protein. Loss of function of the HBB gene is an established disease mechanism in autosomal recessive beta thalassemia. In summary, this variant meets criteria to be classified as pathogenic for autosomal recessive beta-thalassemia. ACMG/AMP Criteria applied: PVS1, PM3_VeryStrong, PM2_Supporting.

GeneDx
Classification: Pathogenic. Last evaluated: 2022-08-30. Review status: criteria provided, single submitter. Criteria: GeneDx Variant Classification Process June 2021. Collection method: clinical testing. Allele origin: germline. Affected: yes.
Comment: Observed multiple times in published literature in individuals with Beta-Thalassemia; however detailed clinical information and segregation was not provided (Economou et al., 1991; Rosatelli et al., 1992; Baysal et al 1992; Gonzalez-Redondo et al., 1988; Kazazian et al., 1983); Frameshift variant predicted to result in protein truncation or nonsense mediated decay in a gene for which loss-of-function is a known mechanism of disease; This variant is associated with the following publications: (PMID: 27785405, 6310991, 9163586, 34662886, 22975760, 26956563, 1390250, 8262525, 1734721, 17486495, 2458145, 1769663)

Mayo Clinic Laboratories, Mayo Clinic
Classification: Pathogenic. Last evaluated: 2022-01-17. Review status: criteria provided, single submitter. Criteria: ACMG Guidelines, 2015. Collection method: clinical testing. Allele origin: germline.

CeGaT Center for Human Genetics Tuebingen
Classification: Pathogenic. Last evaluated: 2022-01-01. Review status: criteria provided, single submitter. Criteria: CeGaT Center For Human Genetics Tuebingen Variant Classification Criteria Version 2. Collection method: clinical testing. Allele origin: germline. Affected: yes. Observed: 1 variant allele.

Myriad Genetics, Inc.
Classification: Pathogenic for Beta-thalassemia HBB/LCRB. Last evaluated: 2019-12-09. Review status: criteria provided, single submitter. Criteria: Myriad Women's Health Autosomal Recessive and X-Linked Classification Criteria (2019). Collection method: clinical testing. Allele origin: unknown.
Comment: NM_000518.4(HBB):c.20delA(aka p.E7Gfs*13) is classified as pathogenic in the context of Hb beta chain-related hemoglobinopathy and is a beta-zero variant associated with beta thalessemia. Sources cited for classification include the following: PMID 22271886 and 1734721. Classification of NM_000518.4(HBB):c.20delA(aka p.E7Gfs*13) is based on the following criteria: The variant causes a premature termination codon that is expected to be targeted by nonsense-mediated mRNA decay and is reported in individuals with the relevant phenotype. Please note: this variant was assessed in the context of healthy population screening.

Women's Health and Genetics/Laboratory Corporation of America, LabCorp
Classification: Pathogenic for beta Thalassemia. Last evaluated: 2016-07-20. Review status: criteria provided, single submitter. Criteria: LabCorp Variant Classification Summary - May 2015. Collection method: clinical testing. Allele origin: germline.
Comment: Variant summary: The HBB c.20delA (p.Glu7Glyfs) variant results in a premature termination codon, predicted to cause a truncated or absent HBB protein due to nonsense mediated decay (NMD), which are commonly known mechanisms for disease. In addition, this region is known to be a mutational hot-spot. Truncations downstream of this position have been classified as pathogenic by our laboratory (e.g. c.27dupG, c.36delT, c.46delT, etc.). This variant was found in 3/121348 control chromosomes at a frequency of 0.0000247, which is lower than the estimated maximal expected allele frequency of a pathogenic HBB variant (0.0111803). This variant is a known common pathogenic variant mainly reported in Algerian, Moroccan, and Sardinian populations in homozygous and/or heterozygous state. Additionally, multiple reputable databases classified this variant as pathogenic. Taken together, this variant is classified as a Pathogenic.

Baylor Genetics
Classification: Pathogenic for Hb SS disease. Review status: criteria provided, single submitter. Criteria: ACMG Guidelines, 2015. Collection method: clinical testing. Allele origin: germline.

The ITHANET community portal, The Cyprus Institute of Neurology and Genetics
Classification: Pathogenic for beta Thalassemia. Last evaluated: 2019-11-25. Review status: no assertion criteria provided. Collection method: curation. Allele origin: germline. Not counted in ClinVar's aggregate classification.

OMIM
Classification: Pathogenic for BETA-ZERO-THALASSEMIA. Last evaluated: 1993-12-01. Review status: no assertion criteria provided. Collection method: literature only. Allele origin: germline. Not counted in ClinVar's aggregate classification.

GeneReviews
No classification provided. Condition: beta Thalassemia. Review status: no classification provided. Collection method: literature only. Allele origin: germline. Not counted in ClinVar's aggregate classification.

Literature cited by the submitters: PubMed 17486495 (cited by Dasa); PubMed 26956563 (cited by Dasa); PubMed 19205970 (cited by Natera, Inc.); PubMed 23637309 (cited by Variantyx, Inc. and Labcorp Genetics (formerly Invitae), Labcorp); PubMed 6316272 (cited by 4 submitters); PubMed 22271886 (cited by 4 submitters); PubMed 34662886 (cited by Quest Diagnostics Nichols Institute San Juan Capistrano); PubMed 38523675 (cited by Quest Diagnostics Nichols Institute San Juan Capistrano); PubMed 9163586 (cited by Quest Diagnostics Nichols Institute San Juan Capistrano and Laboratory for Molecular Medicine, Mass General Brigham Personalized Medicine); PubMed 22975760 (cited by Quest Diagnostics Nichols Institute San Juan Capistrano); PubMed 34258108 (cited by Quest Diagnostics Nichols Institute San Juan Capistrano); PubMed 6310991 (cited by 5 submitters); PubMed 2458145 (cited by 4 submitters); PubMed 2200762 (cited by 3 submitters); PubMed 2393712 (cited by 3 submitters); PubMed 1734721 (cited by 4 submitters); PubMed 8262525 (cited by Quest Diagnostics Nichols Institute San Juan Capistrano and OMIM); PubMed 20854118 (cited by Quest Diagnostics Nichols Institute San Juan Capistrano); PubMed 20863160 (cited by Quest Diagnostics Nichols Institute San Juan Capistrano); PubMed 26372288 (cited by Quest Diagnostics Nichols Institute San Juan Capistrano); PubMed 1769663 (cited by Laboratory for Molecular Medicine, Mass General Brigham Personalized Medicine and Women's Health and Genetics/Laboratory Corporation of America, LabCorp); PubMed 1390250 (cited by Laboratory for Molecular Medicine, Mass General Brigham Personalized Medicine and Women's Health and Genetics/Laboratory Corporation of America, LabCorp); Kazazian, H. H., Jr. Personal Communication. 1990. Baltimore, Md. (cited by OMIM); NCBI Bookshelf NBK1426 (cited by GeneReviews).